The following is an entry in ClinVar:

NM_016035.5(COQ4):c.712G>T (p.Glu238Ter)

Gene: COQ4 (coenzyme Q4; plus strand). Cytogenetic location: 9q34.11.
Variant type: single nucleotide variant.
Coding change: c.712G>T on transcript NM_016035.5 (MANE Select); coding-DNA position 712, G replaced by T.
Protein change: p.Glu238Ter; replaces glutamic acid 238 with a stop codon.
Molecular consequence: nonsense. On other transcripts: 3 prime UTR variant (1).
Genome position (GRCh38, 1-based): chr9:128,333,559, G>T. VCF-style: chr9-128333559-G-T. GRCh37 (hg19) VCF-style: chr9-131095838-G-T.
Other names: c.*88G>T (NM_001305942.2); short protein forms E238*.
Identifiers: ClinVar variation 3896828 (VCV003896828.1).

ClinVar aggregate classification (germline): Uncertain significance (1 of 4 stars; one submission).

Conditions:
Neonatal encephalomyopathy-cardiomyopathy-respiratory distress syndrome. Also called: Coenzyme Q10 deficiency, primary, 7. Identifiers: Orphanet 457185, MedGen C5568562, MONDO:0014562, OMIM 616276.

Submission:

Kariminejad - Najmabadi Pathology & Genetics Center
Classification: Uncertain significance for Neonatal encephalomyopathy-cardiomyopathy-respiratory distress syndrome. Last evaluated: 2022-06-21. Review status: criteria provided, single submitter. Criteria: ACMG Guidelines, 2015. Collection method: clinical testing. Allele origin: germline. Inheritance: Autosomal recessive inheritance. Affected: yes.
Comment: PVS1_Moderate,PM2_moderate